The following is an entry in ClinVar:

ClinVar aggregate classification (germline): Uncertain significance (1 of 4 stars; one submission).

gnomAD v4.1: 1 of 1,613,014 alleles (0.000062%); highest among the groups gnomAD compares: Non-Finnish European, 0.000085%; no homozygotes.

Submission:

Ambry Genetics
Classification: Uncertain significance. Last evaluated: 2024-12-02. Review status: criteria provided, single submitter. Criteria: Ambry Variant Classification Scheme 2023. Collection method: clinical testing. Allele origin: germline.
Comment: The p.I56V variant (also known as c.166A>G), located in coding exon 2 of the SRP72 gene, results from an A to G substitution at nucleotide position 166. The isoleucine at codon 56 is replaced by valine, an amino acid with highly similar properties. This amino acid position is conserved. In addition, this alteration is predicted to be tolerated by in silico analysis. Based on the available evidence, the clinical significance of this variant remains unclear.

NM_006947.4(SRP72):c.166A>G (p.Ile56Val)

Gene: SRP72 (signal recognition particle 72; plus strand). Cytogenetic location: 4q12.
Variant type: single nucleotide variant.
Coding change: c.166A>G on transcript NM_006947.4 (MANE Select); coding-DNA position 166, A replaced by G.
Protein change: p.Ile56Val; replaces isoleucine 56 with valine.
Molecular consequence: missense variant. On other transcripts: non-coding transcript variant (1).
Genome position (GRCh38, 1-based): chr4:56,469,709, A>G. VCF-style: chr4-56469709-A-G. GRCh37 (hg19) VCF-style: chr4-57335875-A-G.
Other names: c.166A>G, p.Ile56Val (NM_001267722.2); short protein forms I56V.
Identifiers: ClinVar variation 3449424 (VCV003449424.1).